The following is an entry in ClinVar:

NM_001283009.2(RTEL1):c.974T>G (p.Leu325Arg)

Genes: RTEL1 (regulator of telomere elongation helicase 1; plus strand), RTEL1-TNFRSF6B (RTEL1-TNFRSF6B readthrough (NMD candidate); plus strand). Cytogenetic location: 20q13.33.
Variant type: single nucleotide variant.
Coding change: c.974T>G on transcript NM_001283009.2 (MANE Select); coding-DNA position 974, T replaced by G.
Protein change: p.Leu325Arg; replaces leucine 325 with arginine.
Molecular consequence: missense variant. On other transcripts: non-coding transcript variant (1).
Genome position (GRCh38, 1-based): chr20:63,678,283, T>G. VCF-style: chr20-63678283-T-G. GRCh37 (hg19) VCF-style: chr20-62309636-T-G.
Other names: c.1046T>G, p.Leu349Arg (NM_032957.5); c.305T>G, p.Leu102Arg (NM_001283010.1); c.974T>G, p.Leu325Arg (NM_016434.4); short protein forms L325R, L349R, L102R.
Identifiers: ClinVar variation 4786219 (VCV004786219.1).

ClinVar aggregate classification (germline): Uncertain significance (1 of 4 stars; one submission).

Conditions:
Dyskeratosis congenita, autosomal recessive 5 (DKCB5). Identifiers: MedGen C3554656, MONDO:0014076, OMIM 615190.
Pulmonary fibrosis and/or bone marrow failure, Telomere-related, 3. Also called: PULMONARY FIBROSIS AND/OR BONE MARROW FAILURE SYNDROME, TELOMERE-RELATED, 3. Identifiers: Orphanet 2032, MedGen C4225346, MONDO:0014613, OMIM 616373.

Submission:

Labcorp Genetics (formerly Invitae), Labcorp
Classification: Uncertain significance for Dyskeratosis congenita, autosomal recessive 5; Pulmonary fibrosis and/or bone marrow failure, Telomere-related, 3. Last evaluated: 2025-09-23. Review status: criteria provided, single submitter. Criteria: Invitae Variant Classification Sherloc (09022015). Collection method: clinical testing. Allele origin: germline.
Comment: This sequence change replaces leucine, which is neutral and non-polar, with arginine, which is basic and polar, at codon 325 of the RTEL1 protein (p.Leu325Arg). This variant is not present in population databases (gnomAD no frequency). This variant has not been reported in the literature in individuals affected with RTEL1-related conditions. An algorithm developed to predict the effect of missense changes on protein structure and function (PolyPhen-2) suggests that this variant is likely to be disruptive. In summary, the available evidence is currently insufficient to determine the role of this variant in disease. Therefore, it has been classified as a Variant of Uncertain Significance.